The following is an entry in ClinVar:

ClinVar aggregate classification (germline): Uncertain significance (1 of 4 stars; one submission).

Allele frequency attached by ClinVar (database versions not stated): TOPMed below 0.00001; ExAC 0.00001; gnomAD 0.00001.

Submission:

GeneDx
Classification: Uncertain significance. Last evaluated: 2023-05-15. Review status: criteria provided, single submitter. Criteria: GeneDx Variant Classification Process June 2021. Collection method: clinical testing. Allele origin: germline. Affected: yes.
Comment: Not observed at significant frequency in large population cohorts (gnomAD); In silico analysis supports that this missense variant has a deleterious effect on protein structure/function; Has not been previously published as pathogenic or benign to our knowledge

NM_031418.4(ANO3):c.428C>T (p.Ser143Phe)

Gene: ANO3 (anoctamin 3; plus strand). Cytogenetic location: 11p14.2.
Variant type: single nucleotide variant.
Coding change: c.428C>T on transcript NM_031418.4 (MANE Select); coding-DNA position 428, C replaced by T.
Protein change: p.Ser143Phe; replaces serine 143 with phenylalanine.
Molecular consequence: missense variant.
Genome position (GRCh38, 1-based): chr11:26,463,144, C>T. VCF-style: chr11-26463144-C-T. GRCh37 (hg19) VCF-style: chr11-26484691-C-T.
Other names: c.611C>T, p.Ser204Phe (NM_001313726.2); short protein forms S143F, S204F.
Identifiers: ClinVar variation 2662005 (VCV002662005.1), dbSNP rs778338592, ClinGen allele CA5925562.